The following is an entry in ClinVar:

NM_015346.4(ZFYVE26):c.1129_1145del (p.Cys377fs)

Gene: ZFYVE26 (zinc finger FYVE-type containing 26; minus strand). Cytogenetic location: 14q24.1.
Variant type: Deletion.
Coding change: c.1129_1145del on transcript NM_015346.4 (MANE Select); coding-DNA positions 1129 to 1145, 17 bases deleted (TGCCAGAGCCTAGAGTC).
Protein change: p.Cys377fs; shifts the reading frame from cysteine 377.
Molecular consequence: frameshift variant.
Genome position (GRCh38, 1-based): chr14:67,805,491-67,805,507, GACTCTAGGCTCTGGCA deleted on the plus strand (TGCCAGAGCCTAGAGTC on the coding strand, the reverse complement: ZFYVE26 is on the minus strand); deleting any 17 consecutive bases within chr14:67,805,491-67,805,508 gives the same sequence; the c. name uses the placement nearest the transcript's 3' end. VCF-style (leftmost placement, unchanged base first): chr14-67805490-TGACTCTAGGCTCTGGCA-T. GRCh37 (hg19) VCF-style: chr14-68272207-TGACTCTAGGCTCTGGCA-T.
Other names: short protein forms C377fs.
Identifiers: ClinVar variation 5012701 (VCV005012701.1).
Genomic context (GRCh38, chr14:67,805,490, plus strand): 5'-CCTGGGATGCTGAGTGAGAGTTACCTGGGTCCTGTGCAGGGTCTGGAGCAGCCTCTTGGC[TGACTCTAGGCTCTGGCA>T]GTGTGTCCAGCCCAGGAGTACAAGCAGGCAACTGAGGGGCCTGAATTCTCTATCAAGTAG-3'

ClinVar aggregate classification (germline): Pathogenic (1 of 4 stars; one submission).

Conditions:
Hereditary spastic paraplegia 15 (SPG15). Also called: SPASTIC PARAPLEGIA 15, AUTOSOMAL RECESSIVE; KJELLIN SYNDROME; SPASTIC PARAPLEGIA AND RETINAL DEGENERATION. Identifiers: Orphanet 100996, MedGen C1849128, MONDO:0010044, OMIM 270700.

Submission:

Myriad Genetics, Inc.
Classification: Pathogenic for Hereditary spastic paraplegia 15. Last evaluated: 2024-02-01. Review status: criteria provided, single submitter. Criteria: Myriad Autosomal Dominant, Autosomal Recessive and X-Linked Classification Criteria (2023). Collection method: clinical testing. Allele origin: unknown.
Comment: NM_015346.3(ZFYVE26):c.1129_1145del17(C377Sfs*17) is expected to be pathogenic in the context of spastic paraplegia type 15. This variant is predicted to lead to an abnormal or absent protein product due to the creation of a premature termination codon in ZFYVE26, a gene where loss-of-function variants are known to be pathogenic. Please note: this variant was assessed in the context of healthy population screening.